The following is an entry in ClinVar:

NM_006080.3(SEMA3A):c.1748G>T (p.Arg583Ile)

Gene: SEMA3A (semaphorin 3A; minus strand). Cytogenetic location: 7q21.11.
Variant type: single nucleotide variant.
Coding change: c.1748G>T on transcript NM_006080.3 (MANE Select); coding-DNA position 1748, G replaced by T.
Protein change: p.Arg583Ile; replaces arginine 583 with isoleucine.
Molecular consequence: missense variant.
Genome position (GRCh38, 1-based): chr7:83,963,317, C>A on the plus strand (G>T on the coding strand, the complement: SEMA3A is on the minus strand). VCF-style: chr7-83963317-C-A. GRCh37 (hg19) VCF-style: chr7-83592633-C-A.
Other names: short protein forms R583I.
Identifiers: ClinVar variation 4984743 (VCV004984743.1).

ClinVar aggregate classification (germline): Uncertain significance (1 of 4 stars; one submission).

Conditions:
SEMA3A-related disorder. Also called: SEMA3A-related condition.

gnomAD v4.1: 3 of 1,613,508 alleles (0.00019%); highest among the groups gnomAD compares: African/African-American, 0.004%; no homozygotes.

Submission:

PreventionGenetics, part of Exact Sciences
Classification: Uncertain significance for SEMA3A-related condition. Last evaluated: 2026-07-21. Review status: criteria provided, single submitter. Criteria: ACMG Guidelines, 2015. Collection method: clinical testing. Allele origin: germline.
Comment: The SEMA3A c.1748G>T variant is predicted to result in the amino acid substitution p.Arg583Ile. To our knowledge, this variant has not been reported in the literature. This variant is reported in 0.011% of alleles in individuals of African descent in gnomAD. At this time, the clinical significance of this variant is uncertain due to the absence of conclusive functional and genetic evidence.